The following is an entry in ClinVar:

NM_003107.3(SOX4):c.251T>A (p.Met84Lys)

Gene: SOX4 (SRY-box transcription factor 4; plus strand). Cytogenetic location: 6p22.3.
Variant type: single nucleotide variant.
Coding change: c.251T>A on transcript NM_003107.3 (MANE Select); coding-DNA position 251, T replaced by A.
Protein change: p.Met84Lys; replaces methionine 84 with lysine.
Molecular consequence: missense variant.
Genome position (GRCh38, 1-based): chr6:21,594,785, T>A. VCF-style: chr6-21594785-T-A. GRCh37 (hg19) VCF-style: chr6-21595016-T-A.
Other names: short protein forms M84K.
Identifiers: ClinVar variation 4086419 (VCV004086419.1).
Genomic context (GRCh38, chr6:21,594,785, plus strand): 5'-ACGCCTTCATGGTGTGGTCGCAGATCGAGCGGCGCAAGATCATGGAGCAGTCGCCCGACA[T>A]GCACAACGCCGAGATCTCCAAGCGGCTGGGCAAACGCTGGAAGCTGCTCAAAGACAGCGA-3'
Protein context (NP_003098.1, residues 74-94): RRKIMEQSPD[Met84Lys]HNAEISKRLG

ClinVar aggregate classification (germline): Uncertain significance (1 of 4 stars; one submission).

Submission:

GeneDx
Classification: Uncertain significance. Last evaluated: 2025-03-20. Review status: criteria provided, single submitter. Criteria: GeneDx Variant Classification Process June 2021. Collection method: clinical testing. Allele origin: germline. Affected: yes.
Comment: Not observed at significant frequency in large population cohorts (gnomAD); In silico analysis supports that this missense variant has a deleterious effect on protein structure/function; Has not been previously published as pathogenic or benign to our knowledge